The following is an entry in ClinVar:

NM_025179.4(PLXNA2):c.1188+6G>A

Gene: PLXNA2 (plexin A2; minus strand). Cytogenetic location: 1q32.2.
Variant type: single nucleotide variant.
Coding change: c.1188+6G>A on transcript NM_025179.4 (MANE Select); 6 bases into the intron after coding-DNA position 1188, G replaced by A.
Molecular consequence: intron variant.
Genome position (GRCh38, 1-based): chr1:208,216,729, C>T on the plus strand (G>A on the coding strand, the complement: PLXNA2 is on the minus strand). VCF-style: chr1-208216729-C-T. GRCh37 (hg19) VCF-style: chr1-208390074-C-T.
Identifiers: ClinVar variation 1384351 (VCV001384351.6), dbSNP rs2102611347, ClinGen allele CA2573131521.

ClinVar aggregate classification (germline): Uncertain significance (1 of 4 stars; one submission).

Submission:

Labcorp Genetics (formerly Invitae), Labcorp
Classification: Uncertain significance. Last evaluated: 2022-08-09. Review status: criteria provided, single submitter. Criteria: Invitae Variant Classification Sherloc (09022015). Collection method: clinical testing. Allele origin: germline.
Comment: This sequence change falls in intron 2 of the PLXNA2 gene. It does not directly change the encoded amino acid sequence of the PLXNA2 protein. It affects a nucleotide within the consensus splice site. In summary, the available evidence is currently insufficient to determine the role of this variant in disease. Therefore, it has been classified as a Variant of Uncertain Significance. Variants that disrupt the consensus splice site are a relatively common cause of aberrant splicing (PMID: 17576681, 9536098). Algorithms developed to predict the effect of sequence changes on RNA splicing suggest that this variant is not likely to affect RNA splicing. ClinVar contains an entry for this variant (Variation ID: 1384351). This variant has not been reported in the literature in individuals affected with PLXNA2-related conditions. This variant is not present in population databases (gnomAD no frequency).

Literature cited by the submitters: PubMed 17576681; PubMed 9536098.